The following is an entry in ClinVar:

NM_006063.3(KLHL41):c.734A>T (p.Asn245Ile)

Gene: KLHL41 (kelch like family member 41; plus strand). Cytogenetic location: 2q31.1.
Variant type: single nucleotide variant.
Coding change: c.734A>T on transcript NM_006063.3 (MANE Select); coding-DNA position 734, A replaced by T.
Protein change: p.Asn245Ile; replaces asparagine 245 with isoleucine.
Molecular consequence: missense variant.
Genome position (GRCh38, 1-based): chr2:169,510,512, A>T. VCF-style: chr2-169510512-A-T. GRCh37 (hg19) VCF-style: chr2-170367022-A-T.
Other names: short protein forms N245I.
Identifiers: ClinVar variation 850360 (VCV000850360.11), dbSNP rs1684014413, ClinGen allele CA349176105.
Genomic context (GRCh38, chr2:169,510,512, plus strand): 5'-GCCTTATGACAGAAAAATATTTTAAGGATCATGTTGAGAAAGATGATATAATTAAAAGCA[A>T]CCCAGACCTCCAGAAAAAAATCAAAGTTCTAAAAGATGCTTTCGCAGGCAAACTCCCAGA-3'
Protein context (NP_006054.2, residues 235-255): HVEKDDIIKS[Asn245Ile]PDLQKKIKVL

ClinVar aggregate classification (germline): Uncertain significance. Review status: criteria provided, multiple submitters, no conflicts (2 of 4 stars). 2 submissions from 2 submitters: Uncertain significance (2). Last evaluated 2024-11-09.

Conditions:
Nemaline myopathy 9 (NEM9). Identifiers: MedGen C3810384, MONDO:0014326, OMIM 615731.
Inborn genetic diseases. Identifiers: MedGen C0950123, MeSH D030342.

Submissions (2):

Ambry Genetics
Classification: Uncertain significance for Inborn genetic diseases. Last evaluated: 2024-11-09. Review status: criteria provided, single submitter. Criteria: Ambry Variant Classification Scheme 2023. Collection method: clinical testing. Allele origin: germline.

Labcorp Genetics (formerly Invitae), Labcorp
Classification: Uncertain significance for Nemaline myopathy 9. Last evaluated: 2020-03-26. Review status: criteria provided, single submitter. Criteria: Invitae Variant Classification Sherloc (09022015). Collection method: clinical testing. Allele origin: germline.
Comment: In summary, the available evidence is currently insufficient to determine the role of this variant in disease. Therefore, it has been classified as a Variant of Uncertain Significance. This sequence change replaces asparagine with isoleucine at codon 245 of the KLHL41 protein (p.Asn245Ile). The asparagine residue is highly conserved and there is a large physicochemical difference between asparagine and isoleucine. Algorithms developed to predict the effect of missense changes on protein structure and function are either unavailable or do not agree on the potential impact of this missense change (SIFT: "Deleterious"; PolyPhen-2: "Benign"; Align-GVGD: "Class C65"). This variant has not been reported in the literature in individuals with KLHL41-related conditions. This variant is not present in population databases (ExAC no frequency).